The following is an entry in ClinVar:

NM_004187.5(KDM5C):c.740G>A (p.Gly247Asp)

Gene: KDM5C (lysine demethylase 5C; minus strand). Cytogenetic location: Xp11.22.
Variant type: single nucleotide variant.
Coding change: c.740G>A on transcript NM_004187.5 (MANE Select); coding-DNA position 740, G replaced by A.
Protein change: p.Gly247Asp; replaces glycine 247 with aspartic acid.
Molecular consequence: missense variant. On other transcripts: non-coding transcript variant (3).
Genome position (GRCh38, 1-based): chrX:53,216,115, C>T on the plus strand (G>A on the coding strand, the complement: KDM5C is on the minus strand). VCF-style: chrX-53216115-C-T. GRCh37 (hg19) VCF-style: chrX-53245297-C-T.
Other names: c.740G>A, p.Gly247Asp (NM_001353981.2, NM_001353984.2, NM_001353978.3); c.737G>A, p.Gly246Asp (NM_001353982.2, NM_001282622.3, NM_001353979.2); c.539G>A, p.Gly180Asp (NM_001146702.2); short protein forms G180D, G246D, G247D.
Identifiers: ClinVar variation 3772523 (VCV003772523.13).
Genomic context (GRCh38, chrX:53,216,115, plus strand): 5'-CCAGCCTGTTAGGCCTTACCTTTCTTCCGCAGAGTCTTGTCTTTGGCCATGAGGCCCAGG[C>T]CCATCATCTTGGGGCCTGCCCCATAGATCTGTAGCTTTTTCAGCTCTGGATTCTTCTCAA-3'
Protein context (NP_004178.2, residues 237-257): QIYGAGPKMM[Gly247Asp]LGLMAKDKTL

ClinVar aggregate classification (germline): Uncertain significance (1 of 4 stars; one submission).

Submission:

CeGaT Center for Human Genetics Tuebingen
Classification: Uncertain significance. Last evaluated: 2025-02-01. Review status: criteria provided, single submitter. Criteria: CeGaT Center For Human Genetics Tuebingen Variant Classification Criteria Version 2. Collection method: clinical testing. Allele origin: germline. Affected: yes. Observed: 2 variant alleles.
Comment: KDM5C: PM2, PP2, PP3